The following is an entry in ClinVar:

ClinVar aggregate classification (germline): Benign. Review status: criteria provided, multiple submitters, no conflicts (2 of 4 stars). 5 submissions from 5 submitters: Benign (4). 1 of the submissions does not count toward it. Last evaluated 2026-02-02.

Allele frequency attached by ClinVar (database versions not stated): 1000 Genomes Project 30x 0.22064; 1000 Genomes Project 0.22204; TOPMed 0.26284; gnomAD 0.27861 and 0.27953; ESP Exome Variant Server 0.29551; gnomAD exomes 0.31968 and 0.34074; ExAC 0.34455.
gnomAD v4.1: 511,858 of 1,534,466 alleles (33%); highest among the groups gnomAD compares: Non-Finnish European, 36%; 89,106 homozygotes.

Submissions (5):

Labcorp Genetics (formerly Invitae), Labcorp
Classification: Benign. Last evaluated: 2026-02-02. Review status: criteria provided, single submitter. Criteria: Invitae Variant Classification Sherloc (09022015). Collection method: clinical testing. Allele origin: germline.

Blueprint Genetics
Classification: Benign. Last evaluated: 2024-11-27. Review status: criteria provided, single submitter. Criteria: ACMG Guidelines, 2015. Collection method: clinical testing. Allele origin: germline.

Unidad de Genómica Garrahan, Hospital de Pediatría Garrahan
Classification: Benign. Last evaluated: 2024-07-31. Review status: criteria provided, single submitter. Criteria: ACMG Guidelines, 2015. Collection method: clinical testing. Allele origin: germline. Affected: no. Observed: 47 variant alleles.
Comment: This variant is classified as Benign based on local population frequency. This variant was detected in 51% of patients studied in a panel designed for Epileptic and Developmental Encephalopathy, Progressive Myoclonus Epilepsy and Abnormal Movements and Neurodegeneration with brain iron accumulation. Number of patients: 47. Only high quality variants are reported.

GeneDx
Classification: Benign. Last evaluated: 2015-12-16. Review status: criteria provided, single submitter. Criteria: GeneDx Variant Classification (06012015). Collection method: clinical testing. Allele origin: germline. Affected: yes.
Comment: This variant is considered likely benign or benign based on one or more of the following criteria: it is a conservative change, it occurs at a poorly conserved position in the protein, it is predicted to be benign by multiple in silico algorithms, and/or has population frequency not consistent with disease.

Mayo Clinic Laboratories, Mayo Clinic
Classification: Benign. Last evaluated: 2016-02-19. Review status: no assertion criteria provided. Collection method: clinical testing. Allele origin: unknown. Not counted in ClinVar's aggregate classification.

NM_020442.6(VARS2):c.2658C>T (p.Pro886=)

Gene: VARS2 (valyl-tRNA synthetase 2, mitochondrial; plus strand). Cytogenetic location: 6p21.33.
Variant type: single nucleotide variant.
Coding change: c.2658C>T on transcript NM_020442.6 (MANE Select); coding-DNA position 2658, C replaced by T.
Protein change: p.Pro886=; no amino-acid change (proline 886 retained).
Molecular consequence: synonymous variant.
Genome position (GRCh38, 1-based): chr6:30,924,545, C>T. VCF-style: chr6-30924545-C-T. GRCh37 (hg19) VCF-style: chr6-30892322-C-T.
Other names: c.2238C>T, p.Pro746= (NM_001167733.3); c.2748C>T, p.Pro916= (NM_001167734.2).
Identifiers: ClinVar variation 380160 (VCV000380160.16), dbSNP rs2532942, ClinGen allele CA3706324.
Genomic context (GRCh38, chr6:30,924,545, plus strand): 5'-GAGGCTGCCCCCCAGGCCTGGTTGCCCCCCTGCCCCCAGCATCTCGGTTGCCCCCTACCC[C>T]AGCGCCTGCAGCTTGGTGAGTCCCAAGCACCTTGGAGTGGGTCTGTGGGTGAATGGGGGG-3'
Protein context (NP_065175.4, residues 876-896): PAPSISVAPY[Pro886=]SACSLEHWRQ